The following is an entry in ClinVar:

NM_002303.6(LEPR):c.1987C>A (p.Leu663Ile)

Gene: LEPR (leptin receptor; plus strand). Cytogenetic location: 1p31.3.
Variant type: single nucleotide variant.
Coding change: c.1987C>A on transcript NM_002303.6 (MANE Select); coding-DNA position 1987, C replaced by A.
Protein change: p.Leu663Ile; replaces leucine 663 with isoleucine.
Molecular consequence: missense variant.
Genome position (GRCh38, 1-based): chr1:65,610,288, C>A. VCF-style: chr1-65610288-C-A. GRCh37 (hg19) VCF-style: chr1-66075971-C-A.
Other names: c.1987C>A, p.Leu663Ile (NM_001003679.3, NM_001003680.3, NM_001198687.2 and 2 more transcripts); short protein forms L663I.
Identifiers: ClinVar variation 3353282 (VCV003353282.2).

ClinVar aggregate classification (germline): Uncertain significance (1 of 4 stars; one submission).

Conditions:
LEPR-related disorder. Also called: LEPR-related disorders; LEPR-related condition.

Submission:

PreventionGenetics, part of Exact Sciences
Classification: Uncertain significance for LEPR-related condition. Last evaluated: 2025-06-09. Review status: criteria provided, single submitter. Criteria: ACMG Guidelines, 2015. Collection method: clinical testing. Allele origin: germline.
Comment: The LEPR c.1987C>A variant is predicted to result in the amino acid substitution p.Leu663Ile. To our knowledge, this variant has not been reported in the literature or in a large population database (gnomAD), indicating this variant is rare. At this time, the clinical significance of this variant is uncertain due to the absence of conclusive functional and genetic evidence.